The following is an entry in ClinVar:

ClinVar aggregate classification (germline): Uncertain significance (1 of 4 stars; one submission).

gnomAD v4.1: 11 of 1,604,264 alleles (0.00069%); highest among the groups gnomAD compares: African/African-American, 0.004%; no homozygotes.

Submission:

Ambry Genetics
Classification: Uncertain significance. Last evaluated: 2025-01-05. Review status: criteria provided, single submitter. Criteria: Ambry Variant Classification Scheme 2023. Collection method: clinical testing. Allele origin: germline.
Comment: The p.P757H variant (also known as c.2270C>A), located in coding exon 10 of the WNK2 gene, results from a C to A substitution at nucleotide position 2270. The proline at codon 757 is replaced by histidine, an amino acid with similar properties. This amino acid position is conserved. In addition, this alteration is predicted to be tolerated by in silico analysis. Based on the available evidence, the clinical significance of this variant remains unclear.

NM_006648.4(WNK2):c.2270C>A (p.Pro757His)

Gene: WNK2 (WNK lysine deficient protein kinase 2; plus strand). Cytogenetic location: 9q22.31.
Variant type: single nucleotide variant.
Coding change: c.2270C>A on transcript NM_006648.4 (MANE Select); coding-DNA position 2270, C replaced by A.
Protein change: p.Pro757His; replaces proline 757 with histidine.
Molecular consequence: missense variant.
Genome position (GRCh38, 1-based): chr9:93,257,027, C>A. VCF-style: chr9-93257027-C-A. GRCh37 (hg19) VCF-style: chr9-96019309-C-A.
Other names: c.2270C>A, p.Pro757His (NM_001282394.3); short protein forms P757H.
Identifiers: ClinVar variation 3470731 (VCV003470731.2).